The following is an entry in ClinVar:

NM_001098816.3(TENM4):c.2458G>A (p.Val820Ile)

Gene: TENM4 (teneurin transmembrane protein 4; minus strand). Cytogenetic location: 11q14.1.
Variant type: single nucleotide variant.
Coding change: c.2458G>A on transcript NM_001098816.3 (MANE Select); coding-DNA position 2458, G replaced by A.
Protein change: p.Val820Ile; replaces valine 820 with isoleucine.
Molecular consequence: missense variant.
Genome position (GRCh38, 1-based): chr11:78,771,073, C>T on the plus strand (G>A on the coding strand, the complement: TENM4 is on the minus strand). VCF-style: chr11-78771073-C-T. GRCh37 (hg19) VCF-style: chr11-78482118-C-T.
Other names: short protein forms V820I.
Identifiers: ClinVar variation 2516159 (VCV002516159.27), dbSNP rs372765091, ClinGen allele CA6207283.
Genomic context (GRCh38, chr11:78,771,073, plus strand): 5'-CACCGCAGGCAGTCTCCATGGAAGTGTCACAGCCAGCTCCTCTCCAGCCCAGCTGGCAGA[C>T]GCAGTGCCAACCATTCAGGTCTAAGGTACATCTGCCGTTGCCATTGCACAACCCAGGGCA-3'
Protein context (NP_001092286.2, residues 810-830): CTLDLNGWHC[Val820Ile]CQLGWRGAGC

ClinVar aggregate classification (germline): Conflicting classifications of pathogenicity. Review status: criteria provided, conflicting classifications (1 of 4 stars). 2 submissions from 2 submitters: Uncertain significance (1); Likely benign (1). Last evaluated 2025-08-26.

Allele frequency attached by ClinVar (database versions not stated): gnomAD exomes 0.00002; ExAC 0.00003; TOPMed 0.00003; gnomAD 0.00005; ESP Exome Variant Server 0.00008; 1000 Genomes Project 30x 0.00016.
gnomAD v4.1: 37 of 1,577,506 alleles (0.0023%); highest among the groups gnomAD compares: South Asian, 0.0047%; no homozygotes.

Submissions (2):

Ambry Genetics
Classification: Uncertain significance. Last evaluated: 2025-08-26. Review status: criteria provided, single submitter. Criteria: Ambry Variant Classification Scheme 2023. Collection method: clinical testing. Allele origin: germline.

CeGaT Center for Human Genetics Tuebingen
Classification: Likely benign. Last evaluated: 2022-11-01. Review status: criteria provided, single submitter. Criteria: CeGaT Center For Human Genetics Tuebingen Variant Classification Criteria Version 2. Collection method: clinical testing. Allele origin: germline. Affected: yes. Observed: 1 variant allele.
Comment: TENM4: BP4